The following is an entry in ClinVar:

ClinVar aggregate classification (germline): Benign/Likely benign. Review status: criteria provided, multiple submitters, no conflicts (2 of 4 stars). 3 submissions from 3 submitters: Benign (1); Likely benign (2). Last evaluated 2024-09-10.

Conditions:
Familial cancer of breast. Also called: hereditary breast carcinoma; BREAST CANCER, FAMILIAL; Hereditary breast cancer. Identifiers: Orphanet 227535, MedGen C0346153, MONDO:0016419, OMIM 114480. Disease mechanism: loss of function.
Hereditary cancer-predisposing syndrome. Also called: Neoplastic Syndromes, Hereditary; Hereditary Cancer Syndrome; Hereditary neoplastic syndrome; Tumor predisposition. Identifiers: Orphanet 140162, MedGen C0027672, MeSH D009386, MONDO:0015356.
Fanconi anemia complementation group J. Also called: BRIP1-Related Fanconi Anemia. Identifiers: Orphanet 84, MedGen C1836860, MONDO:0012187, OMIM 609054.

Allele frequency attached by ClinVar (database versions not stated): gnomAD exomes below 0.00001 and 0.00001; ExAC 0.00001; gnomAD 0.00001.
gnomAD v4.1: 5 of 1,612,474 alleles (0.00031%); highest among the groups gnomAD compares: Non-Finnish European, 0.00025%; no homozygotes.

Submissions (3):

Myriad Genetics, Inc.
Classification: Benign for Familial cancer of breast. Last evaluated: 2024-09-10. Review status: criteria provided, single submitter. Criteria: Myriad Autosomal Dominant, Autosomal Recessive and X-Linked Classification Criteria (2023). Collection method: clinical testing. Allele origin: unknown.
Comment: This variant is considered benign. This variant is a silent/synonymous amino acid change and it is not expected to impact splicing.

Labcorp Genetics (formerly Invitae), Labcorp
Classification: Likely benign for Familial cancer of breast; Fanconi anemia complementation group J. Last evaluated: 2022-10-20. Review status: criteria provided, single submitter. Criteria: Invitae Variant Classification Sherloc (09022015). Collection method: clinical testing. Allele origin: germline.

Ambry Genetics
Classification: Likely benign for Hereditary cancer-predisposing syndrome. Last evaluated: 2018-09-12. Review status: criteria provided, single submitter. Criteria: Ambry Variant Classification Scheme 2023. Collection method: clinical testing. Allele origin: germline.

NM_032043.3(BRIP1):c.3468T>C (p.Asn1156=)

Gene: BRIP1 (BRCA1 interacting DNA helicase 1; minus strand). Cytogenetic location: 17q23.2.
Variant type: single nucleotide variant.
Coding change: c.3468T>C on transcript NM_032043.3 (MANE Select); coding-DNA position 3468, T replaced by C.
Protein change: p.Asn1156=; no amino-acid change (asparagine 1156 retained).
Molecular consequence: synonymous variant.
Genome position (GRCh38, 1-based): chr17:61,683,578, A>G on the plus strand (T>C on the coding strand, the complement: BRIP1 is on the minus strand). VCF-style: chr17-61683578-A-G. GRCh37 (hg19) VCF-style: chr17-59760939-A-G.
Identifiers: ClinVar variation 823805 (VCV000823805.10), dbSNP rs747624574, ClinGen allele CA8690361.